The following is an entry in ClinVar:

NM_004656.4(BAP1):c.647T>G (p.Leu216Arg)

Gene: BAP1 (BRCA1 associated deubiquitinase 1; minus strand). Cytogenetic location: 3p21.1.
Variant type: single nucleotide variant.
Coding change: c.647T>G on transcript NM_004656.4 (MANE Select); coding-DNA position 647, T replaced by G.
Protein change: p.Leu216Arg; replaces leucine 216 with arginine.
Molecular consequence: missense variant.
Genome position (GRCh38, 1-based): chr3:52,406,841, A>C on the plus strand (T>G on the coding strand, the complement: BAP1 is on the minus strand). VCF-style: chr3-52406841-A-C. GRCh37 (hg19) VCF-style: chr3-52440857-A-C.
Other names: c.647T>G, p.Leu216Arg (NM_001410772.1); short protein forms L216R.
Identifiers: ClinVar variation 4620842 (VCV004620842.1).

ClinVar aggregate classification (germline): Uncertain significance (1 of 4 stars; one submission).

Conditions:
Hereditary cancer-predisposing syndrome. Also called: Neoplastic Syndromes, Hereditary; Tumor predisposition; Hereditary Cancer Syndrome; Hereditary neoplastic syndrome. Identifiers: Orphanet 140162, MedGen C0027672, MeSH D009386, MONDO:0015356.

Submission:

Ambry Genetics
Classification: Uncertain significance for Hereditary cancer-predisposing syndrome. Last evaluated: 2025-12-06. Review status: criteria provided, single submitter. Criteria: Ambry Variant Classification Scheme 2023. Collection method: clinical testing. Allele origin: germline.
Comment: The p.L216R variant (also known as c.647T>G), located in coding exon 8 of the BAP1 gene, results from a T to G substitution at nucleotide position 647. The leucine at codon 216 is replaced by arginine, an amino acid with dissimilar properties. This amino acid position is conserved. In addition, the in silico prediction for this alteration is inconclusive. Based on the available evidence, the clinical significance of this variant remains unclear.